The following is an entry in ClinVar:

ClinVar aggregate classification (germline): Uncertain significance (1 of 4 stars; one submission).

Submission:

CeGaT Center for Human Genetics Tuebingen
Classification: Uncertain significance. Last evaluated: 2026-01-01. Review status: criteria provided, single submitter. Criteria: CeGaT Center For Human Genetics Tuebingen Variant Classification Criteria Version 2. Collection method: clinical testing. Allele origin: germline. Affected: yes. Observed: 1 variant allele.
Comment: PPP2R3C: PM2

NM_017917.4(PPP2R3C):c.800C>T (p.Thr267Ile)

Genes: PPP2R3C (protein phosphatase 2 regulatory subunit B''gamma; minus strand), LOC101927178 (uncharacterized LOC101927178; plus strand). Cytogenetic location: 14q13.2.
Variant type: single nucleotide variant.
Coding change: c.800C>T on transcript NM_017917.4 (MANE Select); coding-DNA position 800, C replaced by T.
Protein change: p.Thr267Ile; replaces threonine 267 with isoleucine.
Molecular consequence: missense variant. On other transcripts: non-coding transcript variant (1).
Genome position (GRCh38, 1-based): chr14:35,096,596, G>A on the plus strand (C>T on the coding strand, the complement: PPP2R3C is on the minus strand). VCF-style: chr14-35096596-G-A. GRCh37 (hg19) VCF-style: chr14-35565802-G-A.
Other names: c.470C>T, p.Thr157Ile (NM_001305155.2, NM_001305156.2); short protein forms T157I, T267I.
Identifiers: ClinVar variation 4822862 (VCV004822862.4).
Genomic context (GRCh38, chr14:35,096,596, plus strand): 5'-TAGCATTATGATAGGAACATACCATAAACTCTTAGGGCAGAAGGAGCAGAAAACCAATTT[G>A]TTTCTTGACTCTCCTTGGACAGTTCCTCATCCCTTAGCTAATGGAACACAAAGACATAAT-3'
Protein context (NP_060387.2, residues 257-277): DEELSKESQE[Thr267Ile]NWFSAPSALR